The following is an entry in ClinVar:

NM_003000.3(SDHB):c.442G>A (p.Ala148Thr)

Gene: SDHB (succinate dehydrogenase complex iron sulfur subunit B; minus strand). Cytogenetic location: 1p36.13.
Variant type: single nucleotide variant.
Coding change: c.442G>A on transcript NM_003000.3 (MANE Select); coding-DNA position 442, G replaced by A.
Protein change: p.Ala148Thr; replaces alanine 148 with threonine.
Molecular consequence: missense variant.
Genome position (GRCh38, 1-based): chr1:17,027,847, C>T on the plus strand (G>A on the coding strand, the complement: SDHB is on the minus strand). VCF-style: chr1-17027847-C-T. GRCh37 (hg19) VCF-style: chr1-17354342-C-T.
Other names: short protein forms A148T.
Identifiers: ClinVar variation 999196 (VCV000999196.7), dbSNP rs2078000133, ClinGen allele CA338273338.
Genomic context (GRCh38, chr1:17,027,847, plus strand): 5'-GCTTGCCTTCCTGAGATTCATCCTTCTTCTTCAAATAAGGCTCAATGGATTTGTACTGTG[C>T]ATAGAAGTTGCTCAAATCCTGTGGTTAAGAGGAAGAAGAAGAAGAAGAAGAAGAAAAGGA-3'
Protein context (NP_002991.2, residues 138-158): DLVPDLSNFY[Ala148Thr]QYKSIEPYLK

ClinVar aggregate classification (germline): Uncertain significance. Review status: criteria provided, multiple submitters, no conflicts (2 of 4 stars). 2 submissions from 2 submitters: Uncertain significance (2). Last evaluated 2020-03-16.

Conditions:
Pheochromocytoma/paraganglioma syndrome 4. Also called: CAROTID BODY TUMORS AND MULTIPLE EXTRAADRENAL PHEOCHROMOCYTOMAS; SDHB-Related Hereditary Paraganglioma-Pheochromocytoma Syndrome; Paragangliomas 4; SDHB-Related Hereditary Paraganglioma-Pheochromocytoma Syndrome (Paragangliomas 4); PARAGANGLIOMA, FAMILIAL MALIGNANT; PARAGANGLIOMAS, HEREDITARY EXTRAADRENAL. Identifiers: Orphanet 29072, MedGen C1861848, MONDO:0007273, OMIM 115310.
Gastrointestinal stromal tumor. Also called: Gastrointestinal stromal tumor, somatic; Gastrointestinal stroma tumor. Identifiers: Orphanet 44890, MedGen C0238198, MeSH D046152, MONDO:0011719, OMIM 606764, HP:0100723.
Pheochromocytoma. Also called: MAX-Related Hereditary Paraganglioma-Pheochromocytoma Syndrome. Identifiers: Orphanet 29072, MedGen C0031511, MONDO:0008233, OMIM 171300, HP:0002666.
Hereditary cancer-predisposing syndrome. Also called: Neoplastic Syndromes, Hereditary; Hereditary Cancer Syndrome; Hereditary neoplastic syndrome; Tumor predisposition. Identifiers: Orphanet 140162, MedGen C0027672, MeSH D009386, MONDO:0015356.

Submissions (2):

Labcorp Genetics (formerly Invitae), Labcorp
Classification: Uncertain significance for Gastrointestinal stromal tumor; Pheochromocytoma/paraganglioma syndrome 4; Pheochromocytoma. Last evaluated: 2020-03-16. Review status: criteria provided, single submitter. Criteria: Invitae Variant Classification Sherloc (09022015). Collection method: clinical testing. Allele origin: germline.
Comment: This sequence change replaces alanine with threonine at codon 148 of the SDHB protein (p.Ala148Thr). The alanine residue is highly conserved and there is a small physicochemical difference between alanine and threonine. In summary, the available evidence is currently insufficient to determine the role of this variant in disease. Therefore, it has been classified as a Variant of Uncertain Significance. Algorithms developed to predict the effect of missense changes on protein structure and function (SIFT, PolyPhen-2, Align-GVGD) all suggest that this variant is likely to be tolerated, but these predictions have not been confirmed by published functional studies and their clinical significance is uncertain. This variant has not been reported in the literature in individuals with SDHB-related conditions. This variant is not present in population databases (ExAC no frequency).

Ambry Genetics
Classification: Uncertain significance for Hereditary cancer-predisposing syndrome. Last evaluated: 2019-11-21. Review status: criteria provided, single submitter. Criteria: Ambry Variant Classification Scheme 2023. Collection method: clinical testing. Allele origin: germline.
Comment: The p.A148T variant (also known as c.442G>A), located in coding exon 5 of the SDHB gene, results from a G to A substitution at nucleotide position 442. The alanine at codon 148 is replaced by threonine, an amino acid with similar properties. This amino acid position is highly conserved in available vertebrate species. In addition, this alteration is predicted to be deleterious by in silico analysis. Since supporting evidence is limited at this time, the clinical significance of this alteration remains unclear.